The following is an entry in ClinVar:

NM_000051.4(ATM):c.7826T>C (p.Ile2609Thr)

Genes: ATM (ATM serine/threonine kinase; plus strand), C11orf65 (chromosome 11 open reading frame 65; minus strand). Cytogenetic location: 11q22.3.
Variant type: single nucleotide variant.
Coding change: c.7826T>C on transcript NM_000051.4 (MANE Select); coding-DNA position 7826, T replaced by C.
Protein change: p.Ile2609Thr; replaces isoleucine 2609 with threonine.
Molecular consequence: missense variant. On other transcripts: intron variant (2).
Genome position (GRCh38, 1-based): chr11:108,332,799, T>C. VCF-style: chr11-108332799-T-C. GRCh37 (hg19) VCF-style: chr11-108203526-T-C.
Other names: c.7826T>C, p.Ile2609Thr (NM_001351834.2); c.641-23728A>G (NM_001330368.2); c.*38+2421A>G (NM_001351110.2); short protein forms I2609T.
Identifiers: ClinVar variation 236780 (VCV000236780.20), dbSNP rs369846067, ClinGen allele CA6266197.

ClinVar aggregate classification (germline): Uncertain significance. Review status: criteria provided, multiple submitters, no conflicts (2 of 4 stars). 4 submissions from 4 submitters: Uncertain significance (4). Last evaluated 2025-07-30.

Conditions:
Hereditary cancer-predisposing syndrome. Also called: Neoplastic Syndromes, Hereditary; Hereditary neoplastic syndrome; Tumor predisposition; Hereditary Cancer Syndrome. Identifiers: Orphanet 140162, MedGen C0027672, MeSH D009386, MONDO:0015356.
Ataxia-telangiectasia syndrome (AT). Also called: Ataxia telangiectasia (A-T); Cerebello-oculocutaneous telangiectasia; Immunodeficiency with ataxia telangiectasia; LOUIS-BAR SYNDROME; AT, COMPLEMENTATION GROUP C; ATAXIA-TELANGIECTASIA, FRESNO VARIANT. Identifiers: Orphanet 100, MedGen C0004135, MONDO:0008840, OMIM 208900.

Allele frequency attached by ClinVar (database versions not stated): gnomAD exomes below 0.00001; ExAC 0.00001; ESP Exome Variant Server 0.00008.

Submissions (4):

Labcorp Genetics (formerly Invitae), Labcorp
Classification: Uncertain significance for Ataxia-telangiectasia syndrome. Last evaluated: 2025-07-30. Review status: criteria provided, single submitter. Criteria: Invitae Variant Classification Sherloc (09022015). Collection method: clinical testing. Allele origin: germline.
Comment: This sequence change replaces isoleucine, which is neutral and non-polar, with threonine, which is neutral and polar, at codon 2609 of the ATM protein (p.Ile2609Thr). This variant is present in population databases (rs369846067, gnomAD 0.0009%). This variant has not been reported in the literature in individuals affected with ATM-related conditions. ClinVar contains an entry for this variant (Variation ID: 236780). Invitae Evidence Modeling of protein sequence and biophysical properties (such as structural, functional, and spatial information, amino acid conservation, physicochemical variation, residue mobility, and thermodynamic stability) has been performed for this missense variant. However, the output from this modeling did not meet the statistical confidence thresholds required to predict the impact of this variant on ATM protein function. In summary, the available evidence is currently insufficient to determine the role of this variant in disease. Therefore, it has been classified as a Variant of Uncertain Significance.

Ambry Genetics
Classification: Uncertain significance for Hereditary cancer-predisposing syndrome. Last evaluated: 2025-05-23. Review status: criteria provided, single submitter. Criteria: Ambry Variant Classification Scheme 2023. Collection method: clinical testing. Allele origin: germline.

Color Diagnostics, LLC DBA Color Health
Classification: Uncertain significance for Hereditary cancer-predisposing syndrome. Last evaluated: 2024-03-06. Review status: criteria provided, single submitter. Criteria: ACMG Guidelines, 2015. Collection method: clinical testing. Allele origin: germline.
Comment: This missense variant replaces isoleucine with threonine at codon 2609 of the ATM protein. Computational prediction is inconclusive regarding the impact of this variant on protein structure and function (internally defined REVEL score threshold 0.5 < inconclusive < 0.7, PMID: 27666373). To our knowledge, functional studies have not been reported for this variant. This variant has not been reported in individuals affected with hereditary cancer in the literature. This variant has been identified in 1/250622 chromosomes in the general population by the Genome Aggregation Database (gnomAD). The available evidence is insufficient to determine the role of this variant in disease conclusively. Therefore, this variant is classified as a Variant of Uncertain Significance.

GeneDx
Classification: Uncertain significance. Last evaluated: 2023-07-19. Review status: criteria provided, single submitter. Criteria: GeneDx Variant Classification Process June 2021. Collection method: clinical testing. Allele origin: germline. Affected: yes.
Comment: Not observed at a significant frequency in large population cohorts (gnomAD); In silico analysis supports that this missense variant has a deleterious effect on protein structure/function; Has not been previously published as pathogenic or benign to our knowledge; This variant is associated with the following publications: (PMID: 27535533)